The following is an entry in ClinVar:

ClinVar aggregate classification (germline): Conflicting classifications of pathogenicity. Review status: criteria provided, conflicting classifications (1 of 4 stars). 2 submissions from 2 submitters: Uncertain significance (1); Benign (1). Last evaluated 2017-04-27.

Conditions:
Osteogenesis Imperfecta, Recessive.

Allele frequency attached by ClinVar (database versions not stated): gnomAD exomes 0.00060 and 0.00148; ExAC 0.00192; ESP Exome Variant Server 0.00534; 1000 Genomes Project 0.00599; 1000 Genomes Project 30x 0.00609; gnomAD 0.00617 and 0.00663; TOPMed 0.00713.
gnomAD v4.1: 1,836 of 1,591,100 alleles (0.12%); highest among the groups gnomAD compares: African/African-American, 2.1%; 9 homozygotes.

Submissions (2):

Illumina Laboratory Services, Illumina
Classification: Uncertain significance for Osteogenesis Imperfecta, Recessive. Last evaluated: 2017-04-27. Review status: criteria provided, single submitter. Criteria: ICSL Variant Classification Criteria 13 December 2019. Collection method: clinical testing. Allele origin: germline.

GeneDx
Classification: Benign. Last evaluated: 2016-06-24. Review status: criteria provided, single submitter. Criteria: GeneDx Variant Classification (06012015). Collection method: clinical testing. Allele origin: germline. Affected: yes.
Comment: This variant is considered likely benign or benign based on one or more of the following criteria: it is a conservative change, it occurs at a poorly conserved position in the protein, it is predicted to be benign by multiple in silico algorithms, and/or has population frequency not consistent with disease.

NM_022356.4(P3H1):c.-45C>T

Gene: P3H1 (prolyl 3-hydroxylase 1; minus strand). Cytogenetic location: 1p34.2.
Variant type: single nucleotide variant.
Coding change: c.-45C>T on transcript NM_022356.4 (MANE Select); 45 bases upstream of the start codon, C replaced by T.
Molecular consequence: 5 prime UTR variant.
Genome position (GRCh38, 1-based): chr1:42,767,016, G>A on the plus strand (C>T on the coding strand, the complement: P3H1 is on the minus strand). VCF-style: chr1-42767016-G-A. GRCh37 (hg19) VCF-style: chr1-43232687-G-A.
Other names: c.-45C>T (NM_001146289.2, NM_001243246.2).
Identifiers: ClinVar variation 380465 (VCV000380465.5), dbSNP rs183564323, ClinGen allele CA802265.
Genomic context (GRCh38, chr1:42,767,016, plus strand): 5'-ACGCGCGTACCGCCATCGCTCCCTCAGACCTAACGGAACCGCCAGCCACCCGCCACCAAG[G>A]CCGGAGTCCTACCCCCGGCGAAGGCCCGCCCCCGGGCGAAGCCCCACCTTCCAAGCCGGG-3'